The following is an entry in ClinVar:

NM_016247.4(IMPG2):c.1239+2T>A

Gene: IMPG2 (interphotoreceptor matrix proteoglycan 2; minus strand). Cytogenetic location: 3q12.3.
Variant type: single nucleotide variant.
Coding change: c.1239+2T>A on transcript NM_016247.4 (MANE Select); the canonical splice donor site of the intron after coding-DNA position 1239, T replaced by A.
Molecular consequence: splice donor variant.
Genome position (GRCh38, 1-based): chr3:101,253,694, A>T on the plus strand (T>A on the coding strand, the complement: IMPG2 is on the minus strand). VCF-style: chr3-101253694-A-T. GRCh37 (hg19) VCF-style: chr3-100972538-A-T.
Identifiers: ClinVar variation 1066006 (VCV001066006.7), dbSNP rs1706568274, ClinGen allele CA353864386.

ClinVar aggregate classification (germline): Likely pathogenic (1 of 4 stars; one submission).

Allele frequency attached by ClinVar (database versions not stated): gnomAD exomes below 0.00001; TOPMed below 0.00001.
gnomAD v4.1: 1 of 1,605,080 alleles (0.000062%); highest among the groups gnomAD compares: Non-Finnish European, 0.000085%; no homozygotes.

Submission:

Labcorp Genetics (formerly Invitae), Labcorp
Classification: Likely pathogenic. Last evaluated: 2020-07-03. Review status: criteria provided, single submitter. Criteria: Invitae Variant Classification Sherloc (09022015). Collection method: clinical testing. Allele origin: germline.
Comment: In summary, the currently available evidence indicates that the variant is pathogenic, but additional data are needed to prove that conclusively. Therefore, this variant has been classified as Likely Pathogenic. Donor and acceptor splice site variants typically lead to a loss of protein function (PMID: 16199547), and loss-of-function variants in IMPG2 are known to be pathogenic (PMID: 20673862). Algorithms developed to predict the effect of sequence changes on RNA splicing suggest that this variant may disrupt the consensus splice site, but this prediction has not been confirmed by published transcriptional studies. This variant has not been reported in the literature in individuals with IMPG2-related conditions. This variant is not present in population databases (ExAC no frequency). This sequence change affects a donor splice site in intron 11 of the IMPG2 gene. It is expected to disrupt RNA splicing and likely results in an absent or disrupted protein product.

Literature cited by the submitters: PubMed 16199547; PubMed 20673862.